The following is an entry in ClinVar:

ClinVar aggregate classification (germline): Uncertain significance (1 of 4 stars; one submission).

Conditions:
Hereditary cancer-predisposing syndrome. Also called: Tumor predisposition; Hereditary neoplastic syndrome; Hereditary Cancer Syndrome; Neoplastic Syndromes, Hereditary. Identifiers: Orphanet 140162, MedGen C0027672, MeSH D009386, MONDO:0015356.

Submission:

Ambry Genetics
Classification: Uncertain significance for Hereditary cancer-predisposing syndrome. Last evaluated: 2023-11-02. Review status: criteria provided, single submitter. Criteria: Ambry Variant Classification Scheme 2023. Collection method: clinical testing. Allele origin: germline.
Comment: The p.E346K variant (also known as c.1036G>A), located in coding exon 4 of the BLM gene, results from a G to A substitution at nucleotide position 1036. The glutamic acid at codon 346 is replaced by lysine, an amino acid with similar properties. This amino acid position is conserved. In addition, this alteration is predicted to be tolerated by in silico analysis. Since supporting evidence is limited at this time, the clinical significance of this alteration remains unclear.

NM_000057.4(BLM):c.1036G>A (p.Glu346Lys)

Gene: BLM (BLM RecQ like helicase; plus strand). Cytogenetic location: 15q26.1.
Variant type: single nucleotide variant.
Coding change: c.1036G>A on transcript NM_000057.4 (MANE Select); coding-DNA position 1036, G replaced by A.
Protein change: p.Glu346Lys; replaces glutamic acid 346 with lysine.
Molecular consequence: missense variant. On other transcripts: 5 prime UTR variant (1).
Genome position (GRCh38, 1-based): chr15:90,754,887, G>A. VCF-style: chr15-90754887-G-A. GRCh37 (hg19) VCF-style: chr15-91298117-G-A.
Other names: c.1036G>A, p.Glu346Lys (NM_001287246.2, NM_001287247.2); c.-256G>A (NM_001287248.2); short protein forms E346K.
Identifiers: ClinVar variation 3223771 (VCV003223771.1), dbSNP rs1162333482, ClinGen allele CA393842146.
Genomic context (GRCh38, chr15:90,754,887, plus strand): 5'-GACACCTCTGACAGAAAAGAGGATGTTCTTAGCACATCAAAAGATCTTTTGTCAAAACCT[G>A]AGAAAATGAGTATGCAGGAGCTGAATCCAGAAACCAGCACAGACTGTGACGGTACAAGCA-3'
Protein context (NP_000048.1, residues 336-356): STSKDLLSKP[Glu346Lys]KMSMQELNPE